The following is an entry in ClinVar:

NM_000395.3(CSF2RB):c.2348A>C (p.Asn783Thr)

Gene: CSF2RB (colony stimulating factor 2 receptor subunit beta; plus strand). Cytogenetic location: 22q12.3.
Variant type: single nucleotide variant.
Coding change: c.2348A>C on transcript NM_000395.3 (MANE Select); coding-DNA position 2348, A replaced by C.
Protein change: p.Asn783Thr; replaces asparagine 783 with threonine.
Molecular consequence: missense variant.
Genome position (GRCh38, 1-based): chr22:36,938,156, A>C. VCF-style: chr22-36938156-A-C. GRCh37 (hg19) VCF-style: chr22-37334198-A-C.
Other names: c.2366A>C, p.Asn789Thr (NM_001410827.1); short protein forms N789T, N783T.
Identifiers: ClinVar variation 2815722 (VCV002815722.3), dbSNP rs2518011164, ClinGen allele CA411411321.

ClinVar aggregate classification (germline): Uncertain significance (1 of 4 stars; one submission).

Submission:

Labcorp Genetics (formerly Invitae), Labcorp
Classification: Uncertain significance. Last evaluated: 2023-10-13. Review status: criteria provided, single submitter. Criteria: Invitae Variant Classification Sherloc (09022015). Collection method: clinical testing. Allele origin: germline.
Comment: This sequence change replaces asparagine, which is neutral and polar, with threonine, which is neutral and polar, at codon 783 of the CSF2RB protein (p.Asn783Thr). This variant is not present in population databases (gnomAD no frequency). This variant has not been reported in the literature in individuals affected with CSF2RB-related conditions. Advanced modeling of protein sequence and biophysical properties (such as structural, functional, and spatial information, amino acid conservation, physicochemical variation, residue mobility, and thermodynamic stability) performed at Invitae indicates that this missense variant is not expected to disrupt CSF2RB protein function. In summary, the available evidence is currently insufficient to determine the role of this variant in disease. Therefore, it has been classified as a Variant of Uncertain Significance.